The following is an entry in ClinVar:

NM_002519.3(NPAT):c.370A>G (p.Arg124Gly)

Gene: NPAT (nuclear protein, coactivator of histone transcription; minus strand). Cytogenetic location: 11q22.3.
Variant type: single nucleotide variant.
Coding change: c.370A>G on transcript NM_002519.3 (MANE Select); coding-DNA position 370, A replaced by G.
Protein change: p.Arg124Gly; replaces arginine 124 with glycine.
Molecular consequence: missense variant.
Genome position (GRCh38, 1-based): chr11:108,189,292, T>C on the plus strand (A>G on the coding strand, the complement: NPAT is on the minus strand). VCF-style: chr11-108189292-T-C. GRCh37 (hg19) VCF-style: chr11-108060019-T-C.
Other names: c.370A>G, p.Arg124Gly (NM_001321307.1); short protein forms R124G.
Identifiers: ClinVar variation 3300644 (VCV003300644.1).

ClinVar aggregate classification (germline): Uncertain significance (1 of 4 stars; one submission).

gnomAD v4.1: 4 of 1,614,190 alleles (0.00025%); highest among the groups gnomAD compares: Admixed American, 0.0033%; 1 homozygote.

Submission:

Ambry Genetics
Classification: Uncertain significance. Last evaluated: 2024-03-20. Review status: criteria provided, single submitter. Criteria: Ambry Variant Classification Scheme 2023. Collection method: clinical testing. Allele origin: germline.
Comment: The p.R124G variant (also known as c.370A>G), located in coding exon 6 of the NPAT gene, results from an A to G substitution at nucleotide position 370. The arginine at codon 124 is replaced by glycine, an amino acid with dissimilar properties. This amino acid position is conserved. In addition, the in silico prediction for this alteration is inconclusive. Based on the available evidence, the clinical significance of this alteration remains unclear.